The following is an entry in ClinVar:

GRCh37/hg19 12q21.2(chr12:79685787-79693331)x1

Gene: SYT1 (synaptotagmin 1; plus strand). Cytogenetic location: 12q21.2.
Variant type: copy number loss.
Change: copy number 1 (one copy instead of two) of chr12:79,685,787-79,693,331 (7.5 kb, GRCh37 coordinates, 1-based), cytogenetic band 12q21.2.
Identifiers: ClinVar variation 4813972 (VCV004813972.1).

ClinVar aggregate classification (germline): Likely pathogenic (0 of 4 stars; one submission).

Conditions:
Infantile hypotonia-oculomotor anomalies-hyperkinetic movements-developmental delay syndrome. Also called: BAKER-GORDON SYNDROME; NEURODEVELOPMENTAL DISORDER WITH INVOLUNTARY MOVEMENT AND ABNORMAL ELECTROENCEPHALOGRAM. Identifiers: Orphanet 522077, MedGen C4748715, MONDO:0033864, OMIM 618218.

Submission:

Department of Genetic Medicine, Beijing Chigene Translational Medicine Research Center
Classification: Likely pathogenic for Infantile hypotonia-oculomotor anomalies-hyperkinetic movements-developmental delay syndrome. Last evaluated: 2026-03-11. Review status: no assertion criteria provided. Collection method: clinical testing. Allele origin: de novo. Inheritance: Autosomal dominant inheritance. Affected: yes. Observed: 1 variant allele, 1 heterozygote.
Comment: This variant results in a copy number loss of the genomic region encompassing exons 6-8 of the SYT1 gene, and may result in an absent or disrupted protein product. SYT1 is not a gene with sufficient evidence for haploinsufficiency, this variant has not been reported in the literature in individuals with SYT1-related conditions, but there is other loss-of-function variant in SYT1 have been reported to be pathogenic (PMID: 34580403). In summary, the currently available evidence indicates that the variant is pathogenic, but additional data are needed to prove that conclusively. Therefore, this variant has been classified as Likely Pathogenic.

Literature cited by the submitters: PubMed 34580403.